The following is an entry in ClinVar:

ClinVar aggregate classification (germline): Likely benign. Review status: criteria provided, multiple submitters, no conflicts (2 of 4 stars). 2 submissions from 2 submitters: Likely benign (2). Last evaluated 2026-10-01.

Conditions:
Inborn genetic diseases. Identifiers: MedGen C0950123, MeSH D030342.

gnomAD v4.1: 1 of 1,614,062 alleles (0.000062%); highest among the groups gnomAD compares: Non-Finnish European, 0.000085%; no homozygotes.

Submissions (2):

CeGaT Center for Human Genetics Tuebingen
Classification: Likely benign. Last evaluated: 2026-10-01. Review status: criteria provided, single submitter. Criteria: CeGaT Center For Human Genetics Tuebingen Variant Classification Criteria Version 2. Collection method: clinical testing. Allele origin: germline. Affected: yes. Observed: 1 variant allele.
Comment: SHANK2: BP4, BP7

Ambry Genetics
Classification: Likely benign for Inborn genetic diseases. Last evaluated: 2025-01-18. Review status: criteria provided, single submitter. Criteria: Ambry Variant Classification Scheme 2023. Collection method: clinical testing. Allele origin: germline.

NM_012309.5(SHANK2):c.2328C>T (p.Val776=)

Gene: SHANK2 (SH3 and multiple ankyrin repeat domains 2; minus strand). Cytogenetic location: 11q13.3.
Variant type: single nucleotide variant.
Coding change: c.2328C>T on transcript NM_012309.5 (MANE Select); coding-DNA position 2328, C replaced by T.
Protein change: p.Val776=; no amino-acid change (valine 776 retained).
Molecular consequence: synonymous variant. On other transcripts: non-coding transcript variant (1).
Genome position (GRCh38, 1-based): chr11:70,492,446, G>A on the plus strand (C>T on the coding strand, the complement: SHANK2 is on the minus strand). VCF-style: chr11-70492446-G-A. GRCh37 (hg19) VCF-style: chr11-70338551-G-A.
Other names: c.1191C>T, p.Val397= (NM_001379226.1); c.564C>T, p.Val188= (NM_133266.5).
Identifiers: ClinVar variation 3795518 (VCV003795518.2).